The following is an entry in ClinVar:

ClinVar aggregate classification (germline): Uncertain significance (1 of 4 stars; one submission).

Conditions:
Loeys-Dietz syndrome 4 (LDS4). Also called: TGFB2-Related Loeys-Dietz Syndrome; ANEURYSM, AORTIC AND CEREBRAL, WITH ARTERIAL TORTUOSITY AND SKELETAL MANIFESTATIONS. Identifiers: MedGen C3553762, MONDO:0013897, OMIM 614816.

Submission:

Labcorp Genetics (formerly Invitae), Labcorp
Classification: Uncertain significance for Loeys-Dietz syndrome 4. Last evaluated: 2022-06-10. Review status: criteria provided, single submitter. Criteria: Invitae Variant Classification Sherloc (09022015). Collection method: clinical testing. Allele origin: germline.
Comment: This variant has not been reported in the literature in individuals affected with TGFB2-related conditions. Advanced modeling of protein sequence and biophysical properties (such as structural, functional, and spatial information, amino acid conservation, physicochemical variation, residue mobility, and thermodynamic stability) performed at Invitae indicates that this missense variant is expected to disrupt TGFB2 protein function. In summary, the available evidence is currently insufficient to determine the role of this variant in disease. Therefore, it has been classified as a Variant of Uncertain Significance. This variant is not present in population databases (gnomAD no frequency). This sequence change replaces aspartic acid, which is acidic and polar, with glycine, which is neutral and non-polar, at codon 357 of the TGFB2 protein (p.Asp357Gly).

NM_003238.6(TGFB2):c.1070A>G (p.Asp357Gly)

Gene: TGFB2 (transforming growth factor beta 2; plus strand). Cytogenetic location: 1q41.
Variant type: single nucleotide variant.
Coding change: c.1070A>G on transcript NM_003238.6 (MANE Select); coding-DNA position 1070, A replaced by G.
Protein change: p.Asp357Gly; replaces aspartic acid 357 with glycine.
Molecular consequence: missense variant. On other transcripts: non-coding transcript variant (2).
Genome position (GRCh38, 1-based): chr1:218,437,480, A>G. VCF-style: chr1-218437480-A-G. GRCh37 (hg19) VCF-style: chr1-218610822-A-G.
Other names: c.1154A>G, p.Asp385Gly (NM_001135599.4); short protein forms D357G, D385G.
Identifiers: ClinVar variation 1896065 (VCV001896065.5), dbSNP rs2464878018, ClinGen allele CA344727699.